The following is an entry in ClinVar:

ClinVar aggregate classification (germline): Uncertain significance (1 of 4 stars; one submission).

gnomAD v4.1: 17 of 1,614,088 alleles (0.0011%); highest among the groups gnomAD compares: African/African-American, 0.0027%; no homozygotes.

Submission:

Labcorp Genetics (formerly Invitae), Labcorp
Classification: Uncertain significance. Last evaluated: 2024-05-24. Review status: criteria provided, single submitter. Criteria: Invitae Variant Classification Sherloc (09022015). Collection method: clinical testing. Allele origin: germline.
Comment: This sequence change replaces asparagine, which is neutral and polar, with histidine, which is basic and polar, at codon 1404 of the MYO3A protein (p.Asn1404His). This variant is present in population databases (rs146048091, gnomAD 0.008%). This variant has not been reported in the literature in individuals affected with MYO3A-related conditions. Advanced modeling of protein sequence and biophysical properties (such as structural, functional, and spatial information, amino acid conservation, physicochemical variation, residue mobility, and thermodynamic stability) performed at Invitae indicates that this missense variant is not expected to disrupt MYO3A protein function with a negative predictive value of 80%. In summary, the available evidence is currently insufficient to determine the role of this variant in disease. Therefore, it has been classified as a Variant of Uncertain Significance.

NM_017433.5(MYO3A):c.4210A>C (p.Asn1404His)

Gene: MYO3A (myosin IIIA; plus strand). Cytogenetic location: 10p12.1.
Variant type: single nucleotide variant.
Coding change: c.4210A>C on transcript NM_017433.5 (MANE Select); coding-DNA position 4210, A replaced by C.
Protein change: p.Asn1404His; replaces asparagine 1404 with histidine.
Molecular consequence: missense variant.
Genome position (GRCh38, 1-based): chr10:26,174,474, A>C. VCF-style: chr10-26174474-A-C. GRCh37 (hg19) VCF-style: chr10-26463403-A-C.
Other names: short protein forms N1404H.
Identifiers: ClinVar variation 3715418 (VCV003715418.2).
Genomic context (GRCh38, chr10:26,174,474, plus strand): 5'-ACAGAAGTAGCAAGAAACACTCATAATTTGTATTCCTATCCCACAAAACATGAGGAAATC[A>C]ATAACATCAAGAAGAAGGATAACAAAGACTCGAAAGCAACTTCAGAAAGAGAAGCATGTG-3'
Protein context (NP_059129.3, residues 1394-1414): YSYPTKHEEI[Asn1404His]NIKKKDNKDS